The following is an entry in ClinVar:

NM_001482.3(GATM):c.148T>A (p.Cys50Ser)

Gene: GATM (glycine amidinotransferase; minus strand). Cytogenetic location: 15q21.1.
Variant type: single nucleotide variant.
Coding change: c.148T>A on transcript NM_001482.3 (MANE Select); coding-DNA position 148, T replaced by A.
Protein change: p.Cys50Ser; replaces cysteine 50 with serine.
Molecular consequence: missense variant. On other transcripts: 5 prime UTR variant (1).
Genome position (GRCh38, 1-based): chr15:45,376,741, A>T on the plus strand (T>A on the coding strand, the complement: GATM is on the minus strand). VCF-style: chr15-45376741-A-T. GRCh37 (hg19) VCF-style: chr15-45668939-A-T.
Other names: c.-240T>A (NM_001321015.2); short protein forms C50S.
Identifiers: ClinVar variation 3650692 (VCV003650692.2).
Genomic context (GRCh38, chr15:45,376,741, plus strand): 5'-TGTAAGAAGAGACAGGGCAGTCCTTGGGCAGAGGCTCAGTGGCTTTGTCGTCAGCTGCAC[A>T]GGAGTTCCGGGAGGAAGCCGTAGCTGCCTGGGTGCTCTGGAAAGTTCGCTGCACCCATCC-3'
Protein context (NP_001473.1, residues 40-60): QAATASSRNS[Cys50Ser]AADDKATEPL

ClinVar aggregate classification (germline): Uncertain significance (1 of 4 stars; one submission).

Conditions:
Arginine:glycine amidinotransferase deficiency (CCDS3). Also called: Creatine deficiency syndrome due to AGAT deficiency; GATM deficiency; AGAT deficiency; L-Arginine:Glycine Amidinotransferase Deficiency; L-Arginine:Glycine Amidinotransferase (AGAT) Deficiency; Cerebral creatine deficiency syndrome 3. Identifiers: Orphanet 35704, MedGen C2675179, MONDO:0012996, OMIM 612718.

Submission:

Labcorp Genetics (formerly Invitae), Labcorp
Classification: Uncertain significance for Arginine:glycine amidinotransferase deficiency. Last evaluated: 2024-09-26. Review status: criteria provided, single submitter. Criteria: Invitae Variant Classification Sherloc (09022015). Collection method: clinical testing. Allele origin: germline.
Comment: This sequence change replaces cysteine, which is neutral and slightly polar, with serine, which is neutral and polar, at codon 50 of the GATM protein (p.Cys50Ser). This variant is not present in population databases (gnomAD no frequency). This variant has not been reported in the literature in individuals affected with GATM-related conditions. An algorithm developed to predict the effect of missense changes on protein structure and function (PolyPhen-2) suggests that this variant is likely to be tolerated. In summary, the available evidence is currently insufficient to determine the role of this variant in disease. Therefore, it has been classified as a Variant of Uncertain Significance.